The following is an entry in ClinVar:

ClinVar aggregate classification (germline): Conflicting classifications of pathogenicity. Review status: criteria provided, conflicting classifications (1 of 4 stars). 4 submissions from 4 submitters: Uncertain significance (3); Likely benign (1). Last evaluated 2025-09-13.

Conditions:
Hereditary nonpolyposis colorectal neoplasms. Identifiers: MedGen C0009405, MeSH D003123.
Hereditary cancer-predisposing syndrome. Also called: Tumor predisposition; Hereditary Cancer Syndrome; Hereditary neoplastic syndrome; Neoplastic Syndromes, Hereditary. Identifiers: Orphanet 140162, MedGen C0027672, MeSH D009386, MONDO:0015356.

Allele frequency attached by ClinVar (database versions not stated): gnomAD exomes below 0.00001.
gnomAD v4.1: 8 of 1,613,974 alleles (0.0005%); highest among the groups gnomAD compares: Non-Finnish European, 0.00059%; no homozygotes.

Submissions (4):

Labcorp Genetics (formerly Invitae), Labcorp
Classification: Likely benign for Hereditary nonpolyposis colorectal neoplasms. Last evaluated: 2025-09-13. Review status: criteria provided, single submitter. Criteria: Invitae Variant Classification Sherloc (09022015). Collection method: clinical testing. Allele origin: germline.

Ambry Genetics
Classification: Uncertain significance for Hereditary cancer-predisposing syndrome. Last evaluated: 2025-07-12. Review status: criteria provided, single submitter. Criteria: Ambry Variant Classification Scheme 2023. Collection method: clinical testing. Allele origin: germline.
Comment: The p.P1278L variant (also known as c.3833C>T), located in coding exon 9 of the MSH6 gene, results from a C to T substitution at nucleotide position 3833. The proline at codon 1278 is replaced by leucine, an amino acid with similar properties. This alteration has been identified in a cohort of 572 atherosclerosis patients with no clinical history of cancer (Pinard A et al. Hum Mutat, 2016 12;37:1299-1307). This amino acid position is highly conserved in available vertebrate species. In addition, this alteration is predicted to be deleterious by in silico analysis. Since supporting evidence is limited at this time, the clinical significance of this alteration remains unclear.

GeneDx
Classification: Uncertain significance. Last evaluated: 2023-06-27. Review status: criteria provided, single submitter. Criteria: GeneDx Variant Classification Process June 2021. Collection method: clinical testing. Allele origin: germline. Affected: yes.
Comment: Not observed at significant frequency in large population cohorts (gnomAD); In silico analysis supports that this missense variant has a deleterious effect on protein structure/function; Has not been previously published as pathogenic or benign to our knowledge; This variant is associated with the following publications: (PMID: 27600092, 17531815, 21120944)

Color Diagnostics, LLC DBA Color Health
Classification: Uncertain significance for Hereditary cancer-predisposing syndrome. Last evaluated: 2021-05-10. Review status: criteria provided, single submitter. Criteria: ACMG Guidelines, 2015. Collection method: clinical testing. Allele origin: germline.
Comment: This missense variant replaces proline with leucine at codon 1278 of the MSH6 protein. Computational prediction is inconclusive regarding the impact of this variant on protein structure and function (internally defined REVEL score threshold 0.5 < inconclusive < 0.7, PMID: 27666373). To our knowledge, functional studies have not been reported for this variant. This variant has not been reported in individuals affected with hereditary cancer in the literature. This variant has been identified in 1/250920 chromosomes in the general population by the Genome Aggregation Database (gnomAD). The available evidence is insufficient to determine the role of this variant in disease conclusively. Therefore, this variant is classified as a Variant of Uncertain Significance.

Literature cited by the submitters: PubMed 27600092 (cited by Ambry Genetics).

NM_000179.3(MSH6):c.3833C>T (p.Pro1278Leu)

Gene: MSH6 (mutS homolog 6; plus strand). Cytogenetic location: 2p16.3.
Variant type: single nucleotide variant.
Coding change: c.3833C>T on transcript NM_000179.3 (MANE Select); coding-DNA position 3833, C replaced by T.
Protein change: p.Pro1278Leu; replaces proline 1278 with leucine.
Molecular consequence: missense variant.
Genome position (GRCh38, 1-based): chr2:47,806,483, C>T. VCF-style: chr2-47806483-C-T. GRCh37 (hg19) VCF-style: chr2-48033622-C-T.
Other names: c.3443C>T, p.Pro1148Leu (NM_001281492.2); c.2927C>T, p.Pro976Leu (NM_001281493.2, NM_001281494.2); short protein forms P1278L, P976L, P1148L.
Identifiers: ClinVar variation 410394 (VCV000410394.20), dbSNP rs201191389, ClinGen allele CA16610951.